The following is an entry in ClinVar:

NM_006662.3(SRCAP):c.4159+7C>A

Gene: SRCAP (Snf2 related CREBBP activator protein; plus strand). Cytogenetic location: 16p11.2.
Variant type: single nucleotide variant.
Coding change: c.4159+7C>A on transcript NM_006662.3 (MANE Select); 7 bases into the intron after coding-DNA position 4159, C replaced by A.
Molecular consequence: intron variant.
Genome position (GRCh38, 1-based): chr16:30,723,236, C>A. VCF-style: chr16-30723236-C-A. GRCh37 (hg19) VCF-style: chr16-30734557-C-A.
Identifiers: ClinVar variation 1911658 (VCV001911658.7), dbSNP rs2053028952, ClinGen allele CA2575971246.

ClinVar aggregate classification (germline): Conflicting classifications of pathogenicity. Review status: criteria provided, conflicting classifications (1 of 4 stars). 2 submissions from 2 submitters: Uncertain significance (1); Likely benign (1). Last evaluated 2024-10-16.

gnomAD v4.1: 1 of 1,589,998 alleles (0.000063%); no homozygotes.

Submissions (2):

Dasa
Classification: Uncertain significance. Last evaluated: 2024-10-16. Review status: criteria provided, single submitter. Criteria: DASA Assertion Criteria. Collection method: clinical testing. Allele origin: germline.
Comment: NM_006662.3(SRCAP):c.4159+7C>A is a splice-region variant. This variant is rare in population databases. The currently available literature and clinical evidence are not sufficient to establish a definitive association between this variant and the reported condition. Therefore, this variant is classified as a variant of uncertain significance.

Labcorp Genetics (formerly Invitae), Labcorp
Classification: Likely benign. Last evaluated: 2024-09-11. Review status: criteria provided, single submitter. Criteria: Invitae Variant Classification Sherloc (09022015). Collection method: clinical testing. Allele origin: germline.